The following is an entry in ClinVar:

ClinVar aggregate classification (germline): Uncertain significance (1 of 4 stars; one submission).

Allele frequency attached by ClinVar (database versions not stated): gnomAD exomes 0.00001; TOPMed 0.00001.
gnomAD v4.1: 7 of 1,599,714 alleles (0.00044%); highest among the groups gnomAD compares: South Asian, 0.0022%; no homozygotes.

Submission:

Athena Diagnostics
Classification: Uncertain significance. Last evaluated: 2023-08-30. Review status: criteria provided, single submitter. Criteria: Athena Diagnostics Criteria. Collection method: clinical testing. Allele origin: unknown.
Comment: Available data are insufficient to determine the clinical significance of the variant at this time. The frequency of this variant in the general population is uninformative in assessment of its pathogenicity. Computational tools yielded predictions that this variant is unlikely to have an effect on normal RNA splicing.

NM_000088.4(COL1A1):c.1515+19C>T

Gene: COL1A1 (collagen type I alpha 1 chain; minus strand). Cytogenetic location: 17q21.33.
Variant type: single nucleotide variant.
Coding change: c.1515+19C>T on transcript NM_000088.4 (MANE Select); 19 bases into the intron after coding-DNA position 1515, C replaced by T.
Molecular consequence: intron variant.
Genome position (GRCh38, 1-based): chr17:50,194,554, G>A on the plus strand (C>T on the coding strand, the complement: COL1A1 is on the minus strand). VCF-style: chr17-50194554-G-A. GRCh37 (hg19) VCF-style: chr17-48271915-G-A.
Identifiers: ClinVar variation 2684107 (VCV002684107.1), dbSNP rs756823986, ClinGen allele CA626689559.